The following is an entry in ClinVar:

NM_000486.6(AQP2):c.*1001G>A

Genes: AQP2 (aquaporin 2; plus strand), AQP5-AS1 (AQP5 and AQP2 antisense RNA 2; minus strand). Cytogenetic location: 12q13.12.
Variant type: single nucleotide variant.
Coding change: c.*1001G>A on transcript NM_000486.6 (MANE Select); 1001 bases downstream of the stop codon, G replaced by A.
Molecular consequence: 3 prime UTR variant.
Genome position (GRCh38, 1-based): chr12:49,956,609, G>A. VCF-style: chr12-49956609-G-A. GRCh37 (hg19) VCF-style: chr12-50350392-G-A.
Identifiers: ClinVar variation 883405 (VCV000883405.4), dbSNP rs148904180, ClinGen allele CA236737120.
Genomic context (GRCh38, chr12:49,956,609, plus strand): 5'-AGAGATTAGCCTCCCACTTCGGCGCAGAAAACAAAAGCCCTTTGTGGGACCCGGGCCTTT[G>A]TCTTGGGTGAGGGGAGATTTGCACCTAGACACTTCTTGAAAGGAGACACTCAGTTTCACA-3'

ClinVar aggregate classification (germline): Benign (1 of 4 stars; one submission).

Conditions:
Diabetes insipidus, nephrogenic, autosomal (NDI2). Also called: Diabetes insipidus, nephrogenic, 2, autosomal; Nephrogenic Diabetes Insipidus, Type II. Identifiers: Orphanet 223, MedGen C1563706, MONDO:0007451, OMIM 125800.

Allele frequency attached by ClinVar (database versions not stated): gnomAD 0.00525 and 0.00559; 1000 Genomes Project 0.00559; TOPMed 0.00606; 1000 Genomes Project 30x 0.00625.

Submission:

Illumina Laboratory Services, Illumina
Classification: Benign for Diabetes insipidus, nephrogenic, autosomal. Last evaluated: 2017-04-27. Review status: criteria provided, single submitter. Criteria: ICSL Variant Classification Criteria 13 December 2019. Collection method: clinical testing. Allele origin: germline.
Comment: This variant was observed as part of a predisposition screen in an ostensibly healthy population. A literature search was performed for the gene, cDNA change, and amino acid change (where applicable). No publications were found based on this search. Allele frequency data from public databases was too high to be consistent with this variant causing disease. Therefore, this variant is classified as benign.